The following is an entry in ClinVar:

ClinVar aggregate classification (germline): Uncertain significance. Review status: criteria provided, multiple submitters, no conflicts (2 of 4 stars). 5 submissions from 5 submitters: Uncertain significance (5). Last evaluated 2026-01-31.

Conditions:
Hereditary cancer-predisposing syndrome. Also called: Hereditary neoplastic syndrome; Tumor predisposition; Neoplastic Syndromes, Hereditary; Hereditary Cancer Syndrome. Identifiers: Orphanet 140162, MedGen C0027672, MeSH D009386, MONDO:0015356.
Familial cancer of breast. Also called: Hereditary breast cancer; BREAST CANCER, FAMILIAL; hereditary breast carcinoma. Identifiers: Orphanet 227535, MedGen C0346153, MONDO:0016419, OMIM 114480. Disease mechanism: loss of function.
Hereditary breast ovarian cancer syndrome. Also called: Hereditary breast and ovarian cancer; Hereditary breast and/or ovarian cancer syndrome; Hereditary breast and ovarian cancer syndrome; Hereditary breast and ovarian cancer syndrome (HBOC); Breast and ovarian cancer; BRCA1- and BRCA2-Associated Hereditary Breast and Ovarian Cancer. Identifiers: Orphanet 145, MedGen C0677776, MeSH D061325, MONDO:0003582. Disease mechanism: loss of function.

Allele frequency attached by ClinVar (database versions not stated): gnomAD below 0.00001 and 0.00001; gnomAD exomes 0.00001 and 0.00002; TOPMed 0.00001; ExAC 0.00004.
gnomAD v4.1: 20 of 1,613,518 alleles (0.0012%); highest among the groups gnomAD compares: South Asian, 0.021%; no homozygotes.

Submissions (5):

Labcorp Genetics (formerly Invitae), Labcorp
Classification: Uncertain significance for Familial cancer of breast. Last evaluated: 2026-01-31. Review status: criteria provided, single submitter. Criteria: Invitae Variant Classification Sherloc (09022015). Collection method: clinical testing. Allele origin: germline.
Comment: This sequence change replaces serine, which is neutral and polar, with leucine, which is neutral and non-polar, at codon 162 of the BARD1 protein (p.Ser162Leu). This variant is present in population databases (rs755693106, gnomAD 0.02%). This variant has not been reported in the literature in individuals affected with BARD1-related conditions. ClinVar contains an entry for this variant (Variation ID: 419907). An algorithm developed to predict the effect of missense changes on protein structure and function outputs the following: PolyPhen-2: "Benign". The leucine amino acid residue is found in multiple mammalian species, which suggests that this missense change does not adversely affect protein function. In summary, the available evidence is currently insufficient to determine the role of this variant in disease. Therefore, it has been classified as a Variant of Uncertain Significance.

Color Diagnostics, LLC DBA Color Health
Classification: Uncertain significance for Hereditary cancer-predisposing syndrome. Last evaluated: 2025-10-30. Review status: criteria provided, single submitter. Criteria: ACMG Guidelines, 2015. Collection method: clinical testing. Allele origin: germline.
Comment: This missense variant replaces serine with leucine at codon 162 of the BARD1 protein. Computational prediction suggests that this variant may not impact protein structure and function. To our knowledge, functional studies have not been reported for this variant. This variant has not been reported in individuals affected with hereditary cancer in the literature. This variant has been identified in 6/250960 chromosomes in the general population by the Genome Aggregation Database (gnomAD). The available evidence is insufficient to determine the role of this variant in disease conclusively. Therefore, this variant is classified as a Variant of Uncertain Significance.

Department of Pathology and Laboratory Medicine, Sinai Health System
Classification: Uncertain significance for Hereditary breast ovarian cancer syndrome. Last evaluated: 2025-01-23. Review status: criteria provided, single submitter. Criteria: ACMG Guidelines, 2015. Collection method: clinical testing. Allele origin: germline. Affected: yes.

Ambry Genetics
Classification: Uncertain significance for Hereditary cancer-predisposing syndrome. Last evaluated: 2024-08-19. Review status: criteria provided, single submitter. Criteria: Ambry Variant Classification Scheme 2023. Collection method: clinical testing. Allele origin: germline.
Comment: The p.S162L variant (also known as c.485C>T), located in coding exon 4 of the BARD1 gene, results from a C to T substitution at nucleotide position 485. The serine at codon 162 is replaced by leucine, an amino acid with dissimilar properties. This amino acid position is well conserved in available vertebrate species. In addition, this alteration is predicted to be tolerated by in silico analysis. Since supporting evidence is limited at this time, the clinical significance of this alteration remains unclear.

GeneDx
Classification: Uncertain significance. Last evaluated: 2023-10-09. Review status: criteria provided, single submitter. Criteria: GeneDx Variant Classification Process June 2021. Collection method: clinical testing. Allele origin: germline. Affected: yes.
Comment: In silico analysis supports that this missense variant does not alter protein structure/function; Has not been previously published as pathogenic or benign to our knowledge

NM_000465.4(BARD1):c.485C>T (p.Ser162Leu)

Gene: BARD1 (BRCA1 associated RING domain 1; minus strand). Cytogenetic location: 2q35.
Variant type: single nucleotide variant.
Coding change: c.485C>T on transcript NM_000465.4 (MANE Select); coding-DNA position 485, C replaced by T.
Protein change: p.Ser162Leu; replaces serine 162 with leucine.
Molecular consequence: missense variant. On other transcripts: non-coding transcript variant (2), intron variant (3).
Genome position (GRCh38, 1-based): chr2:214,781,389, G>A on the plus strand (C>T on the coding strand, the complement: BARD1 is on the minus strand). VCF-style: chr2-214781389-G-A. GRCh37 (hg19) VCF-style: chr2-215646113-G-A.
Other names: c.428C>T, p.Ser143Leu (NM_001282543.2); c.158+28023C>T (NM_001282548.2); c.215+15672C>T (NM_001282545.2); c.364+10908C>T (NM_001282549.2); short protein forms S162L, S143L.
Identifiers: ClinVar variation 419907 (VCV000419907.24), dbSNP rs755693106, ClinGen allele CA2090422.